The following is an entry in ClinVar:

ClinVar aggregate classification (germline): Uncertain significance. Review status: criteria provided, multiple submitters, no conflicts (2 of 4 stars). 2 submissions from 2 submitters: Uncertain significance (2). Last evaluated 2024-09-03.

Conditions:
Inborn genetic diseases. Identifiers: MedGen C0950123, MeSH D030342.

gnomAD v4.1: 2 of 1,612,908 alleles (0.00012%); highest among the groups gnomAD compares: Non-Finnish European, 0.00017%; no homozygotes.

Submissions (2):

Ambry Genetics
Classification: Uncertain significance for Inborn genetic diseases. Last evaluated: 2024-09-03. Review status: criteria provided, single submitter. Criteria: Ambry Variant Classification Scheme 2023. Collection method: clinical testing. Allele origin: germline.

GeneDx
Classification: Uncertain significance. Last evaluated: 2023-10-23. Review status: criteria provided, single submitter. Criteria: GeneDx Variant Classification Process June 2021. Collection method: clinical testing. Allele origin: germline. Affected: yes.
Comment: Not observed at significant frequency in large population cohorts (gnomAD); In silico analysis supports that this missense variant has a deleterious effect on protein structure/function; Has not been previously published as pathogenic or benign to our knowledge

NM_016239.4(MYO15A):c.3541C>T (p.Pro1181Ser)

Gene: MYO15A (myosin XVA; plus strand). Cytogenetic location: 17p11.2.
Variant type: single nucleotide variant.
Coding change: c.3541C>T on transcript NM_016239.4 (MANE Select); coding-DNA position 3541, C replaced by T.
Protein change: p.Pro1181Ser; replaces proline 1181 with serine.
Molecular consequence: missense variant.
Genome position (GRCh38, 1-based): chr17:18,122,341, C>T. VCF-style: chr17-18122341-C-T. GRCh37 (hg19) VCF-style: chr17-18025655-C-T.
Other names: short protein forms P1181S.
Identifiers: ClinVar variation 3366272 (VCV003366272.2).